The following is an entry in ClinVar:

NM_006393.3(NEBL):c.1963-10T>G

Gene: NEBL (nebulette; minus strand). Cytogenetic location: 10p12.31.
Variant type: single nucleotide variant.
Coding change: c.1963-10T>G on transcript NM_006393.3 (MANE Select); 10 bases into the intron before coding-DNA position 1963, T replaced by G.
Molecular consequence: intron variant.
Genome position (GRCh38, 1-based): chr10:20,819,526, A>C on the plus strand (T>G on the coding strand, the complement: NEBL is on the minus strand). VCF-style: chr10-20819526-A-C. GRCh37 (hg19) VCF-style: chr10-21108455-A-C.
Other names: c.250-6586T>G (NM_001377326.1, NM_001377327.1, NM_001377328.1); c.358-6586T>G (NM_213569.2, NM_001173484.2, NM_001377322.1); c.301-6586T>G (NM_001377324.1); c.292-6586T>G (NM_001377325.1); c.310-6586T>G (NM_001377323.1).
Identifiers: ClinVar variation 4750636 (VCV004750636.1).
Genomic context (GRCh38, chr10:20,819,526, plus strand): 5'-CGGGGTCATGCTTACCGGAGTGGCCTTGTAGTTTTGCTCTTTATACTGGAGCTGAGAGAC[A>C]AGGTGCAAGACAGTTTGAGATTATGGGAAATAAATACGTCCCAAAACATTGCAACAGATT-3'

ClinVar aggregate classification (germline): Uncertain significance (1 of 4 stars; one submission).

Conditions:
Primary dilated cardiomyopathy (DCM). Also called: Dilated Cardiomyopathy. Identifiers: Orphanet 217604, MedGen C0007193, MeSH D002311, MONDO:0005021, HP:0001644. Inheritance: Various modes of inheritance.

gnomAD v4.1: 4 of 1,613,910 alleles (0.00025%); highest among the groups gnomAD compares: Admixed American, 0.0017%; no homozygotes.

Submission:

Labcorp Genetics (formerly Invitae), Labcorp
Classification: Uncertain significance for Primary dilated cardiomyopathy. Last evaluated: 2025-09-19. Review status: criteria provided, single submitter. Criteria: Invitae Variant Classification Sherloc (09022015). Collection method: clinical testing. Allele origin: germline.
Comment: This sequence change falls in intron 19 of the NEBL gene. It does not directly change the encoded amino acid sequence of the NEBL protein. This variant is not present in population databases (gnomAD no frequency). This variant has not been reported in the literature in individuals affected with NEBL-related conditions. Algorithms developed to predict the effect of sequence changes on RNA splicing suggest that this variant may disrupt the consensus splice site. In summary, the available evidence is currently insufficient to determine the role of this variant in disease. Therefore, it has been classified as a Variant of Uncertain Significance.